The following is an entry in ClinVar:

ClinVar aggregate classification (germline): Uncertain significance (1 of 4 stars; one submission).

Allele frequency attached by ClinVar (database versions not stated): gnomAD 0.00003 and 0.00002; gnomAD exomes below 0.00001; ExAC 0.00001; TOPMed 0.00002.
gnomAD v4.1: 4 of 1,613,850 alleles (0.00025%); highest among the groups gnomAD compares: African/African-American, 0.004%; no homozygotes.

Submission:

GeneDx
Classification: Uncertain significance. Last evaluated: 2017-10-17. Review status: criteria provided, single submitter. Criteria: GeneDx Variant Classification (06012015). Collection method: clinical testing. Allele origin: germline. Affected: yes.
Comment: The I2952R variant in the FAT4 gene has not been reported previously as a pathogenic variant, nor as a benign variant, to our knowledge. The I2952R variant is not observed at a significant frequency in large population cohorts (Lek et al., 2016). The I2952R variant is a non-conservative amino acid substitution, which is likely to impact secondary protein structure as these residues differ in polarity, charge, size and/or other properties. This substitution occurs at a position where amino acids with similar properties to Isoleucine are tolerated across species. In silico analysis is inconsistent in its predictions as to whether or not the variant is damaging to the protein structure/function. We interpret I2952R as a variant of uncertain significance.

NM_001291303.3(FAT4):c.8861T>G (p.Ile2954Arg)

Gene: FAT4 (FAT atypical cadherin 4; plus strand). Cytogenetic location: 4q28.1.
Variant type: single nucleotide variant.
Coding change: c.8861T>G on transcript NM_001291303.3 (MANE Select); coding-DNA position 8861, T replaced by G.
Protein change: p.Ile2954Arg; replaces isoleucine 2954 with arginine.
Molecular consequence: missense variant.
Genome position (GRCh38, 1-based): chr4:125,449,871, T>G. VCF-style: chr4-125449871-T-G. GRCh37 (hg19) VCF-style: chr4-126371026-T-G.
Other names: c.8861T>G, p.Ile2954Arg (NM_001291285.3); c.8855T>G, p.Ile2952Arg (NM_024582.6); short protein forms I2952R, I2954R.
Identifiers: ClinVar variation 452746 (VCV000452746.2), dbSNP rs762222146, ClinGen allele CA3073436.